The following is an entry in ClinVar:

NM_001122630.2(CDKN1C):c.133G>T (p.Glu45Ter)

Gene: CDKN1C (cyclin dependent kinase inhibitor 1C; minus strand). Cytogenetic location: 11p15.4.
Variant type: single nucleotide variant.
Coding change: c.133G>T on transcript NM_001122630.2 (MANE Select); coding-DNA position 133, G replaced by T.
Protein change: p.Glu45Ter; replaces glutamic acid 45 with a stop codon.
Molecular consequence: nonsense.
Genome position (GRCh38, 1-based): chr11:2,885,324, C>A on the plus strand (G>T on the coding strand, the complement: CDKN1C is on the minus strand). VCF-style: chr11-2885324-C-A. GRCh37 (hg19) VCF-style: chr11-2906554-C-A.
Other names: c.166G>T, p.Glu56Ter (NM_000076.2, NM_001362474.2); c.133G>T, p.Glu45Ter (NM_001122631.2, NM_001362475.2); short protein forms E56*, E45*.
Identifiers: ClinVar variation 1455010 (VCV001455010.6), dbSNP rs1848974871, ClinGen allele CA379147543.
Genomic context (GRCh38, chr11:2,885,324, plus strand): 5'-GTCCAGGGCCCCGCAGCGGCATGTCCTGCTGGAAGTCGTAATCCCAGCGGTTCTGGTCCT[C>A]GGCGTTCAGCTCGGCCAGGCGGGCCTGCAGCTCGCGGCTCAGCTCCTCGTGGTCCACCGG-3'

ClinVar aggregate classification (germline): Pathogenic (1 of 4 stars; one submission).

Conditions:
Beckwith-Wiedemann syndrome (BWS). Also called: EMG SYNDROME; Exomphalos macroglossia gigantism syndrome. Identifiers: Orphanet 116, MedGen C0004903, MONDO:0007534, OMIM 130650.

Submission:

Labcorp Genetics (formerly Invitae), Labcorp
Classification: Pathogenic for Beckwith-Wiedemann syndrome. Last evaluated: 2021-08-06. Review status: criteria provided, single submitter. Criteria: Invitae Variant Classification Sherloc (09022015). Collection method: clinical testing. Allele origin: germline.
Comment: For these reasons, this variant has been classified as Pathogenic. This variant has not been reported in the literature in individuals affected with CDKN1C-related conditions. This sequence change creates a premature translational stop signal (p.Glu56*) in the CDKN1C gene. It is expected to result in an absent or disrupted protein product. Loss-of-function variants in CDKN1C are known to be pathogenic (PMID: 20503313). This variant is not present in population databases (ExAC no frequency).

Literature cited by the submitters: PubMed 20503313.